The following is an entry in ClinVar:

ClinVar aggregate classification (germline): Uncertain significance (1 of 4 stars; one submission).

Conditions:
Hereditary cancer-predisposing syndrome. Also called: Tumor predisposition; Hereditary Cancer Syndrome; Hereditary neoplastic syndrome; Neoplastic Syndromes, Hereditary. Identifiers: Orphanet 140162, MedGen C0027672, MeSH D009386, MONDO:0015356.

Allele frequency attached by ClinVar (database versions not stated): gnomAD exomes below 0.00001.
gnomAD v4.1: 1 of 1,614,138 alleles (0.000062%); highest among the groups gnomAD compares: South Asian, 0.0011%; no homozygotes.

Submission:

Ambry Genetics
Classification: Uncertain significance for Hereditary cancer-predisposing syndrome. Last evaluated: 2017-03-10. Review status: criteria provided, single submitter. Criteria: Ambry Variant Classification Scheme 2023. Collection method: clinical testing. Allele origin: germline.
Comment: The p.K613N variant (also known as c.1839G>C), located in coding exon 11 of the PMS2 gene, results from a G to C substitution at nucleotide position 1839. The lysine at codon 613 is replaced by asparagine, an amino acid with similar properties. This amino acid position is well conserved in available vertebrate species. In addition, this alteration is predicted to be tolerated by in silico analysis. Since supporting evidence is limited at this time, the clinical significance of this alteration remains unclear.

NM_000535.7(PMS2):c.1839G>C (p.Lys613Asn)

Gene: PMS2 (PMS1 homolog 2, mismatch repair system component; minus strand). Cytogenetic location: 7p22.1.
Variant type: single nucleotide variant.
Coding change: c.1839G>C on transcript NM_000535.7 (MANE Select); coding-DNA position 1839, G replaced by C.
Protein change: p.Lys613Asn; replaces lysine 613 with asparagine.
Molecular consequence: missense variant. On other transcripts: non-coding transcript variant (1).
Genome position (GRCh38, 1-based): chr7:5,986,926, C>G on the plus strand (G>C on the coding strand, the complement: PMS2 is on the minus strand). VCF-style: chr7-5986926-C-G. GRCh37 (hg19) VCF-style: chr7-6026557-C-G.
Other names: c.1434G>C, p.Lys478Asn (NM_001322003.2, NM_001322004.2, NM_001322005.2 and 1 more transcripts); c.1683G>C, p.Lys561Asn (NM_001322006.2); c.1521G>C, p.Lys507Asn (NM_001322007.2, NM_001322008.2); c.1278G>C, p.Lys426Asn (NM_001322010.2); c.906G>C, p.Lys302Asn (NM_001322011.2, NM_001322012.2); c.1266G>C, p.Lys422Asn (NM_001322013.2); c.1839G>C, p.Lys613Asn (NM_001322014.2); c.1530G>C, p.Lys510Asn (NM_001322015.2); short protein forms K613N, K302N, K507N, K426N, K510N, K422N, K478N, K561N.
Identifiers: ClinVar variation 486053 (VCV000486053.5), dbSNP rs1554297185, ClinGen allele CA366739643.